The following is an entry in ClinVar:

NM_000400.4(ERCC2):c.2071G>A (p.Gly691Arg)

Gene: ERCC2 (ERCC excision repair 2, TFIIH core complex helicase subunit; minus strand). Cytogenetic location: 19q13.32.
Variant type: single nucleotide variant.
Coding change: c.2071G>A on transcript NM_000400.4 (MANE Select); coding-DNA position 2071, G replaced by A.
Protein change: p.Gly691Arg; replaces glycine 691 with arginine.
Molecular consequence: missense variant.
Genome position (GRCh38, 1-based): chr19:45,352,328, C>T on the plus strand (G>A on the coding strand, the complement: ERCC2 is on the minus strand). VCF-style: chr19-45352328-C-T. GRCh37 (hg19) VCF-style: chr19-45855586-C-T.
Other names: short protein forms G691R.
Identifiers: ClinVar variation 2566697 (VCV002566697.2), dbSNP rs1599723999, ClinGen allele CA406362426.
Genomic context (GRCh38, chr19:45,352,328, plus strand): 5'-CCACGGTCAGGTTGAGGTTGGCATCTGTGAGGTGCTCCTGGATCCAGCGGGGCAGCTTCC[C>T]CCGCTTGTCCCCACGGGCAAACCGCTGTGGGCAGAAGCGCAGGCCAGGGACAGAAGGTCA-3'
Protein context (NP_000391.1, residues 681-701): DKRFARGDKR[Gly691Arg]KLPRWIQEHL

ClinVar aggregate classification (germline): Uncertain significance (1 of 4 stars; one submission).

Conditions:
Inborn genetic diseases. Identifiers: MedGen C0950123, MeSH D030342.

Allele frequency attached by ClinVar (database versions not stated): gnomAD exomes below 0.00001.
gnomAD v4.1: 1 of 1,614,036 alleles (0.000062%); highest among the groups gnomAD compares: Non-Finnish European, 0.000085%; no homozygotes.

Submission:

Ambry Genetics
Classification: Uncertain significance for Inborn genetic diseases. Last evaluated: 2023-05-11. Review status: criteria provided, single submitter. Criteria: Ambry Variant Classification Scheme 2023. Collection method: clinical testing. Allele origin: germline.
Comment: The p.G691R variant (also known as c.2071G>A), located in coding exon 22 of the ERCC2 gene, results from a G to A substitution at nucleotide position 2071. The glycine at codon 691 is replaced by arginine, an amino acid with dissimilar properties. This amino acid position is conserved. In addition, the in silico prediction for this alteration is inconclusive. Since supporting evidence is limited at this time, the clinical significance of this alteration remains unclear.